The following is an entry in ClinVar:

ClinVar aggregate classification (germline): Pathogenic/Likely pathogenic. Review status: criteria provided, multiple submitters, no conflicts (2 of 4 stars). 2 submissions from 2 submitters: Pathogenic (1); Likely pathogenic (1). Last evaluated 2023-01-20.

Conditions:
Menke-Hennekam syndrome 1 (MKHK1). Identifiers: MedGen C5193034, MONDO:0020763, OMIM 618332.
Inborn genetic diseases. Identifiers: MedGen C0950123, MeSH D030342.

Submissions (2):

Ambry Genetics
Classification: Pathogenic for Inborn genetic diseases. Last evaluated: 2023-01-20. Review status: criteria provided, single submitter. Criteria: Ambry Variant Classification Scheme 2023. Collection method: clinical testing. Allele origin: germline.
Comment: The c.5558A>C (p.Q1853P) alteration is located in exon 31 (coding exon 31) of the CREBBP gene. This alteration results from an A to C substitution at nucleotide position 5558, causing the glutamine (Q) at amino acid position 1853 to be replaced by a proline (P)._x000D_ _x000D_ Based on the available evidence, the c.5558A>C (p.Q1853P) alteration is classified as pathogenic for Menke-Hennekam syndrome; however, its clinical significance for Rubinstein-Taybi syndrome is unclear. This variant was not reported in population-based cohorts in the Genome Aggregation Database (gnomAD). This variant has been determined to be the result of a de novo mutation or germline mosaicism in one individual with global developmental delay, intellectual disability, behavior abnormalities, hearing loss, and dysmorphic features (NCBI ClinVar)._x000D_ _x000D_ _x000D_ _x000D_ Manual reference: National Center for Biotechnology Information. ClinVar; [VCV001703236.1], (accessed Jan. 20, 2023). This amino acid position is highly conserved in available vertebrate species. This missense alteration is located in a region that has a low rate of benign missense variation (Lek, 2016; Firth, 2009). The in silico prediction for this alteration is inconclusive. Based on the available evidence, this alteration is classified as pathogenic.

Broad Center for Mendelian Genomics, Broad Institute of MIT and Harvard
Classification: Likely pathogenic for Menke-Hennekam syndrome 1. Last evaluated: 2022-08-25. Review status: criteria provided, single submitter. Criteria: ACMG Guidelines, 2015. Collection method: curation. Allele origin: germline. Inheritance: Autosomal dominant inheritance. Affected: yes.
Comment: Trio exome analysis showed this variant to be de novo. The p.Gln1853Pro variant in CREBBP has not been previously reported in individuals with Menke-Hennekam or Rubinstein-Taybi syndrome and was absent from large population studies. Computational prediction tools and conservation analyses suggest that this variant may impact the protein, though this information is not predictive enough to determine pathogenicity. The number of missense variants reported in CREBBP in the general population is lower than expected, suggesting there is little benign variation in this gene and slightly increasing the possibility that a missense variant in this gene may not be tolerated. In summary, although additional studies are required to fully establish its clinical significance, this variant is likely pathogenic for autosomal dominant CREBBP-related disorder. ACMG/AMP Criteria applied: PS2_Moderate, PP3_Moderate, PM2_supporting, PP2 (Richards 2015).

NM_004380.3(CREBBP):c.5558A>C (p.Gln1853Pro)

Gene: CREBBP (CREB binding protein; minus strand). Cytogenetic location: 16p13.3.
Variant type: single nucleotide variant.
Coding change: c.5558A>C on transcript NM_004380.3 (MANE Select); coding-DNA position 5558, A replaced by C.
Protein change: p.Gln1853Pro; replaces glutamine 1853 with proline.
Molecular consequence: missense variant.
Genome position (GRCh38, 1-based): chr16:3,729,489, T>G on the plus strand (A>C on the coding strand, the complement: CREBBP is on the minus strand). VCF-style: chr16-3729489-T-G. GRCh37 (hg19) VCF-style: chr16-3779490-T-G.
Other names: NM_004380.3:c.5558A>C; c.5444A>C, p.Gln1815Pro (NM_001079846.1); c.5558A>C (NM_004380.2); short protein forms Q1815P, Q1853P.
Identifiers: ClinVar variation 1703236 (VCV001703236.3), dbSNP rs933672395, ClinGen allele CA394556023.